The following is an entry in ClinVar:

ClinVar aggregate classification (germline): Likely pathogenic (1 of 4 stars; one submission).

Conditions:
ABCB4-related disorder. Also called: ABCB4-related disorders; ABCB4-related condition.

Submission:

PreventionGenetics, part of Exact Sciences
Classification: Likely pathogenic for ABCB4-related condition. Last evaluated: 2026-06-10. Review status: criteria provided, single submitter. Criteria: ACMG Guidelines, 2015. Collection method: clinical testing. Allele origin: germline.
Comment: The ABCB4 c.1642delG variant is predicted to result in a frameshift and premature protein termination (p.Val548Phefs*39). To our knowledge, this variant has not been reported in the literature or in a large population database, indicating this variant is rare. Frameshift variants in ABCB4 are expected to be pathogenic. This variant is interpreted as likely pathogenic.

NM_000443.4(ABCB4):c.1642del (p.Val548fs)

Gene: ABCB4 (ATP binding cassette subfamily B member 4; minus strand). Cytogenetic location: 7q21.12.
Variant type: Deletion.
Coding change: c.1642del on transcript NM_000443.4 (MANE Select); coding-DNA position 1642, one base deleted (G; older notation c.1642delG).
Protein change: p.Val548fs; shifts the reading frame from valine 548.
Molecular consequence: frameshift variant.
Genome position (GRCh38, 1-based): chr7:87,439,756, C deleted on the plus strand (G on the coding strand, the reverse complement: ABCB4 is on the minus strand); the first of 2 consecutive C bases (chr7:87,439,756-87,439,757); deleting either gives the same sequence. VCF-style (leftmost placement, unchanged base first): chr7-87439755-AC-A. GRCh37 (hg19) VCF-style: chr7-87069071-AC-A.
Other names: c.1642del, p.Val548fs (NM_018849.3, NM_018850.3); short protein forms V548fs.
Identifiers: ClinVar variation 3344742 (VCV003344742.2).